The following is an entry in ClinVar:

ClinVar aggregate classification (germline): Conflicting classifications of pathogenicity. Review status: criteria provided, conflicting classifications (1 of 4 stars). 3 submissions from 3 submitters: Likely pathogenic (1); Uncertain significance (2). Last evaluated 2026-04-30.

Conditions:
Hereditary cancer-predisposing syndrome. Also called: Tumor predisposition; Hereditary Cancer Syndrome; Hereditary neoplastic syndrome; Neoplastic Syndromes, Hereditary. Identifiers: Orphanet 140162, MedGen C0027672, MeSH D009386, MONDO:0015356.
Hereditary breast ovarian cancer syndrome. Also called: Hereditary breast and/or ovarian cancer syndrome; BRCA1- and BRCA2-Associated Hereditary Breast and Ovarian Cancer; Hereditary breast and ovarian cancer syndrome; Hereditary breast and ovarian cancer; Hereditary breast and ovarian cancer syndrome (HBOC); Breast and ovarian cancer. Identifiers: Orphanet 145, MedGen C0677776, MeSH D061325, MONDO:0003582. Disease mechanism: loss of function.

Submissions (4):

Ambry Genetics
Classification: Likely pathogenic for Hereditary cancer-predisposing syndrome. Last evaluated: 2026-04-30. Review status: criteria provided, single submitter. Criteria: Ambry Variant Classification Scheme 2023. Collection method: clinical testing. Allele origin: germline.
Comment: The c.213-7A>G intronic variant results from an A to G substitution 7 nucleotides upstream from coding exon 4 in the BRCA1 gene. This nucleotide position is well conserved in available vertebrate species. One functional study found that this nucleotide substitution is non-functional in a high-throughput, genome editing, haploid cell survival assay. (Findlay GM et al. Nature, 2018 10;562:217-222). This variant is considered to be rare based on population cohorts in the Genome Aggregation Database (gnomAD). In silico splice site analysis predicts that this alteration will weaken the native splice acceptor site and may result in the creation or strengthening of a novel splice acceptor site. Based on the majority of available evidence to date, this variant is likely to be pathogenic.

Color Diagnostics, LLC DBA Color Health
Classification: Uncertain significance for Hereditary cancer-predisposing syndrome. Last evaluated: 2025-12-09. Review status: criteria provided, single submitter. Criteria: ACMG Guidelines, 2015. Collection method: clinical testing. Allele origin: germline.
Comment: This variant causes an A to G nucleotide substitution at the -7 position of intron 4 of the BRCA1 gene. Splicing predictions suggest that this variant would disrupt the intron 4 splice acceptor site and introduce a cryptic splice acceptor site, which if used would cause an in-frame insertion of two amino acids in the RING domain of the variant BRCA1 protein (PMID: 30661751, 35449021). A functional study that requires mRNA splicing has reported that this variant impacted BRCA1 in a haploid cell proliferation assay (PMID: 30209399). To our knowledge, RNA studies have not been reported for this variant. This variant has been reported with a likelihood ratio of 1.1026 based on case-control data involving fewer than 5 carriers (PMID: 40413188). This variant has not been identified in the general population by the Genome Aggregation Database (gnomAD). Although there is a suspicion that this variant may be associated with disease, additional RNA and clinical studies are necessary to determine the role of this variant in disease conclusively. Therefore, this variant is classified as a Variant of Uncertain Significance.

Labcorp Genetics (formerly Invitae), Labcorp
Classification: Uncertain significance for Hereditary breast ovarian cancer syndrome. Last evaluated: 2022-08-15. Review status: criteria provided, single submitter. Criteria: Invitae Variant Classification Sherloc (09022015). Collection method: clinical testing. Allele origin: germline.
Comment: ClinVar contains an entry for this variant (Variation ID: 865278). In summary, the available evidence is currently insufficient to determine the role of this variant in disease. Therefore, it has been classified as a Variant of Uncertain Significance. Algorithms developed to predict the effect of sequence changes on RNA splicing suggest that this variant may disrupt the consensus splice site. Experimental studies have shown that this variant affects BRCA1 function (PMID: 30209399). Algorithms developed to predict the effect of variants on protein structure and function are not available or were not evaluated for this variant. This variant has not been reported in the literature in individuals affected with BRCA1-related conditions. This variant is not present in population databases (gnomAD no frequency). This sequence change falls in intron 4 of the BRCA1 gene. It does not directly change the encoded amino acid sequence of the BRCA1 protein.

Brotman Baty Institute, University of Washington
No classification provided (evidence only). Condition: Breast-ovarian cancer, familial 1. Review status: no classification provided. Collection method: in vitro. Allele origin: not applicable. Functional consequence: functionally_abnormal. Not counted in ClinVar's aggregate classification.
ClinVar note: "not provided" was previously submitted as the classification for the variant. However, the classification appeared to be based only on an observation of functional data so it was converted to no classification on 2025-07-30.

Literature cited by the submitters: PubMed 30209399 (cited by 3 submitters); PubMed 40413188 (cited by Ambry Genetics and Color Diagnostics, LLC DBA Color Health); PubMed 30661751 (cited by Color Diagnostics, LLC DBA Color Health); PubMed 35449021 (cited by Color Diagnostics, LLC DBA Color Health).

NM_007294.4(BRCA1):c.213-7A>G

Gene: BRCA1 (BRCA1 DNA repair associated; minus strand). Cytogenetic location: 17q21.31.
Variant type: single nucleotide variant.
Coding change: c.213-7A>G on transcript NM_007294.4 (MANE Select); 7 bases into the intron before coding-DNA position 213, A replaced by G.
Molecular consequence: intron variant.
Genome position (GRCh38, 1-based): chr17:43,104,963, T>C on the plus strand (A>G on the coding strand, the complement: BRCA1 is on the minus strand). VCF-style: chr17-43104963-T-C. GRCh37 (hg19) VCF-style: chr17-41256980-T-C.
Other names: c.72-7A>G (NM_001408458.1, NM_001407931.1, NM_001407747.1 and 99 more transcripts); c.-218-10103A>G (NM_001407967.1, NM_001407966.1); c.-169-7A>G (NM_001407959.1, NM_001407962.1, NM_001408512.1 and 4 more transcripts); c.3-7A>G (NM_001407885.1, NM_001407886.1, NM_001407898.1 and 58 more transcripts); c.213-7A>G (NM_001407686.1, NM_001408397.1, NM_001407632.1 and 167 more transcripts); c.81-7A>G (NM_001408451.1); c.135-7A>G (NM_001408475.1, NM_001407875.1, NM_001407659.1 and 21 more transcripts).
Identifiers: ClinVar variation 865278 (VCV000865278.16), dbSNP rs2054700180, ClinGen allele CA913188835.
Genomic context (GRCh38, chr17:43,104,963, plus strand): 5'-ATTTTCAATAGCTCTTCAACAAGTTGACTAAATCTCGTACTTTCTTGTAGGCTCCTGAAA[T>C]TAAATTGTTTGAGAAACACACTCAGCAAGTGATTATCAACCTTTTAAGGACACTAAAATA-3'